The following is an entry in ClinVar:

ClinVar aggregate classification (germline): Likely pathogenic (1 of 4 stars; one submission).

Allele frequency attached by ClinVar (database versions not stated): gnomAD exomes below 0.00001.
gnomAD v4.1: 1 of 1,614,134 alleles (0.000062%); highest among the groups gnomAD compares: Non-Finnish European, 0.000085%; no homozygotes.

Submission:

Labcorp Genetics (formerly Invitae), Labcorp
Classification: Likely pathogenic. Last evaluated: 2023-02-11. Review status: criteria provided, single submitter. Criteria: Invitae Variant Classification Sherloc (09022015). Collection method: clinical testing. Allele origin: germline.
Comment: This variant is present in population databases (no rsID available, gnomAD 0.0009%). This sequence change affects a donor splice site in intron 6 of the COL2A1 gene. It is expected to disrupt RNA splicing. Variants that disrupt the donor or acceptor splice site typically lead to a loss of protein function (PMID: 16199547), and loss-of-function variants in COL2A1 are known to be pathogenic (PMID: 20179744). This variant has not been reported in the literature in individuals affected with COL2A1-related conditions. Algorithms developed to predict the effect of sequence changes on RNA splicing suggest that this variant may disrupt the consensus splice site. In summary, the currently available evidence indicates that the variant is pathogenic, but additional data are needed to prove that conclusively. Therefore, this variant has been classified as Likely Pathogenic.

Literature cited by the submitters: PubMed 16199547; PubMed 20179744.

NM_001844.5(COL2A1):c.429+1G>C

Gene: COL2A1 (collagen type II alpha 1 chain; minus strand). Cytogenetic location: 12q13.11.
Variant type: single nucleotide variant.
Coding change: c.429+1G>C on transcript NM_001844.5 (MANE Select); the canonical splice donor site of the intron after coding-DNA position 429, G replaced by C.
Molecular consequence: splice donor variant.
Genome position (GRCh38, 1-based): chr12:47,997,870, C>G on the plus strand (G>C on the coding strand, the complement: COL2A1 is on the minus strand). VCF-style: chr12-47997870-C-G. GRCh37 (hg19) VCF-style: chr12-48391653-C-G.
Other names: c.222+1G>C (NM_033150.3).
Identifiers: ClinVar variation 2836527 (VCV002836527.3), dbSNP rs1409078868, ClinGen allele CA384524930.